The following is an entry in ClinVar:

NM_025136.4(OPA3):c.25G>A (p.Ala9Thr)

Genes: OPA3 (outer mitochondrial membrane lipid metabolism regulator OPA3; minus strand), OPA3-RTN2 (OPA3-RTN2 readthrough; minus strand), LOC130064709 (ATAC-STARR-seq lymphoblastoid active region 14802; plus strand). Cytogenetic location: 19q13.32.
Variant type: single nucleotide variant.
Coding change: c.25G>A on transcript NM_025136.4 (MANE Select); coding-DNA position 25, G replaced by A.
Protein change: p.Ala9Thr; replaces alanine 9 with threonine.
Molecular consequence: missense variant.
Genome position (GRCh38, 1-based): chr19:45,584,740, C>T on the plus strand (G>A on the coding strand, the complement: OPA3 is on the minus strand). VCF-style: chr19-45584740-C-T. GRCh37 (hg19) VCF-style: chr19-46087998-C-T.
Other names: c.25G>A, p.Ala9Thr (NM_001017989.3); short protein forms A9T.
Identifiers: ClinVar variation 2053052 (VCV002053052.4), dbSNP rs1458202119, ClinGen allele CA406378968.

ClinVar aggregate classification (germline): Uncertain significance (1 of 4 stars; one submission).

Conditions:
Optic atrophy 3 (OPA3). Also called: OPTIC ATROPHY 3, AUTOSOMAL DOMINANT; Optic atrophy, cataract, and neurologic disorder; Optic atrophy 3 with cataract. Identifiers: Orphanet 67036, MedGen C1833809, MONDO:0008133, OMIM 165300.
3-Methylglutaconic aciduria type 3 (MGCA3). Also called: OPA3, AUTOSOMAL RECESSIVE; OPTIC ATROPHY 3, AUTOSOMAL RECESSIVE; OPA3-Related 3-Methylglutaconic Aciduria; Costeff Syndrome. Identifiers: Orphanet 67047, MedGen C0574084, MONDO:0009787, OMIM 258501.

Submission:

Labcorp Genetics (formerly Invitae), Labcorp
Classification: Uncertain significance for 3-Methylglutaconic aciduria type 3; Optic atrophy 3. Last evaluated: 2021-12-22. Review status: criteria provided, single submitter. Criteria: Invitae Variant Classification Sherloc (09022015). Collection method: clinical testing. Allele origin: germline.
Comment: This variant is present in population databases (no rsID available, gnomAD 0.0009%). This sequence change replaces alanine, which is neutral and non-polar, with threonine, which is neutral and polar, at codon 9 of the OPA3 protein (p.Ala9Thr). This variant has not been reported in the literature in individuals affected with OPA3-related conditions. Algorithms developed to predict the effect of missense changes on protein structure and function are either unavailable or do not agree on the potential impact of this missense change (SIFT: "Deleterious"; PolyPhen-2: "Probably Damaging"; Align-GVGD: "Class C0"). In summary, the available evidence is currently insufficient to determine the role of this variant in disease. Therefore, it has been classified as a Variant of Uncertain Significance.